The following is an entry in ClinVar:

ClinVar aggregate classification (germline): Uncertain significance (1 of 4 stars; one submission).

Allele frequency attached by ClinVar (database versions not stated): gnomAD exomes 0.00001 and 0.00005; TOPMed 0.00002; gnomAD 0.00004 and 0.00005.
gnomAD v4.1: 78 of 1,535,972 alleles (0.0051%); highest among the groups gnomAD compares: East Asian, 0.16%; no homozygotes.

Submission:

Labcorp Genetics (formerly Invitae), Labcorp
Classification: Uncertain significance. Last evaluated: 2022-08-23. Review status: criteria provided, single submitter. Criteria: Invitae Variant Classification Sherloc (09022015). Collection method: clinical testing. Allele origin: germline.
Comment: This sequence change replaces arginine, which is basic and polar, with histidine, which is basic and polar, at codon 730 of the ARMC9 protein (p.Arg730His). This variant is present in population databases (no rsID available, gnomAD 0.02%). This variant has not been reported in the literature in individuals affected with ARMC9-related conditions. ClinVar contains an entry for this variant (Variation ID: 1468674). Experimental studies and prediction algorithms are not available or were not evaluated, and the functional significance of this variant is currently unknown. In summary, the available evidence is currently insufficient to determine the role of this variant in disease. Therefore, it has been classified as a Variant of Uncertain Significance.

NM_001352754.2(ARMC9):c.2189G>A (p.Arg730His)

Genes: ARMC9 (armadillo repeat containing 9; plus strand), LOC122861306 (Sharpr-MPRA regulatory region 9410; plus strand). Cytogenetic location: 2q37.1.
Variant type: single nucleotide variant.
Coding change: c.2189G>A on transcript NM_001352754.2 (MANE Select); coding-DNA position 2189, G replaced by A.
Protein change: p.Arg730His; replaces arginine 730 with histidine.
Molecular consequence: missense variant.
Genome position (GRCh38, 1-based): chr2:231,360,811, G>A. VCF-style: chr2-231360811-G-A. GRCh37 (hg19) VCF-style: chr2-232225523-G-A.
Other names: c.2189G>A, p.Arg730His (NM_001271466.4); short protein forms R730H.
Identifiers: ClinVar variation 1468674 (VCV001468674.3), dbSNP rs971994863, ClinGen allele CA66862381.